The following is an entry in ClinVar:

ClinVar aggregate classification (germline): Uncertain significance. Review status: criteria provided, multiple submitters, no conflicts (2 of 4 stars). 2 submissions from 2 submitters: Uncertain significance (2). Last evaluated 2025-06-17.

Conditions:
Inborn genetic diseases. Identifiers: MedGen C0950123, MeSH D030342.

Submissions (2):

Ambry Genetics
Classification: Uncertain significance for Inborn genetic diseases. Last evaluated: 2025-06-17. Review status: criteria provided, single submitter. Criteria: Ambry Variant Classification Scheme 2023. Collection method: clinical testing. Allele origin: germline.

GeneDx
Classification: Uncertain significance. Last evaluated: 2021-07-07. Review status: criteria provided, single submitter. Criteria: GeneDx Variant Classification Process June 2021. Collection method: clinical testing. Allele origin: germline. Affected: yes.
Comment: Not observed at significant frequency in large population cohorts (gnomAD); In silico analysis supports that this missense variant has a deleterious effect on protein structure/function; Has not been previously published as pathogenic or benign to our knowledge

NM_020719.3(PRR12):c.2828A>C (p.Glu943Ala)

Gene: PRR12 (proline rich 12; plus strand). Cytogenetic location: 19q13.33.
Variant type: single nucleotide variant.
Coding change: c.2828A>C on transcript NM_020719.3 (MANE Select); coding-DNA position 2828, A replaced by C.
Protein change: p.Glu943Ala; replaces glutamic acid 943 with alanine.
Molecular consequence: missense variant.
Genome position (GRCh38, 1-based): chr19:49,597,163, A>C. VCF-style: chr19-49597163-A-C. GRCh37 (hg19) VCF-style: chr19-50100420-A-C.
Other names: short protein forms E943A.
Identifiers: ClinVar variation 1704823 (VCV001704823.3), dbSNP rs2514273777, ClinGen allele CA406876865.
Genomic context (GRCh38, chr19:49,597,163, plus strand): 5'-CGCCGCGTTTCGTGCCGCTCACCTCCATCTGCTTCCCTGACTCCTTGCTCCAAGACGAGG[A>C]GCGCAGCTTCTTCCCCACCATGGAGGAGATGTTCGGTGGAGGGGCCGCGGACGACTACGG-3'
Protein context (NP_065770.1, residues 933-953): CFPDSLLQDE[Glu943Ala]RSFFPTMEEM